The following is an entry in ClinVar:

ClinVar aggregate classification (germline): Pathogenic. Review status: criteria provided, multiple submitters, no conflicts (2 of 4 stars). 2 submissions from 2 submitters: Pathogenic (2). Last evaluated 2026-01-27.

Conditions:
Hermansky-Pudlak syndrome 1 (HPS1). Also called: DELTA STORAGE POOL DISEASE. Identifiers: Orphanet 231500, Orphanet 79430, MedGen C2931875, MONDO:0008748, OMIM 203300.

Submissions (2):

Myriad Genetics, Inc.
Classification: Pathogenic for Hermansky-Pudlak syndrome 1. Last evaluated: 2026-01-27. Review status: criteria provided, single submitter. Criteria: Myriad Autosomal Dominant, Autosomal Recessive and X-Linked Classification Criteria (2023). Collection method: clinical testing. Allele origin: unknown.
Comment: NM_000195.3(HPS1):c.532dupC(Q178Pfs*4) is expected to be pathogenic in the context of Hermansky-Pudlak syndrome, HPS1-related. This variant is predicted to lead to an abnormal or absent protein product due to the creation of a premature termination codon in HPS1, a gene where loss-of-function variants are known to be pathogenic. Please note: this variant was assessed in the context of healthy population screening.

Labcorp Genetics (formerly Invitae), Labcorp
Classification: Pathogenic. Last evaluated: 2023-06-15. Review status: criteria provided, single submitter. Criteria: Invitae Variant Classification Sherloc (09022015). Collection method: clinical testing. Allele origin: germline.
Comment: This sequence change creates a premature translational stop signal (p.Gln178Profs*4) in the HPS1 gene. It is expected to result in an absent or disrupted protein product. Loss-of-function variants in HPS1 are known to be pathogenic (PMID: 12442288, 16185271). For these reasons, this variant has been classified as Pathogenic. This premature translational stop signal has been observed in individual(s) with clinical features of Hermansky-Pudlak syndrome (PMID: 16185271). This variant is not present in population databases (gnomAD no frequency).

Literature cited by the submitters: PubMed 12442288 (cited by Labcorp Genetics (formerly Invitae), Labcorp); PubMed 16185271 (cited by Labcorp Genetics (formerly Invitae), Labcorp).

NM_000195.5(HPS1):c.532dup (p.Gln178fs)

Gene: HPS1 (HPS1 biogenesis of lysosomal organelles complex 3 subunit 1; minus strand). Cytogenetic location: 10q24.2.
Variant type: Duplication.
Coding change: c.532dup on transcript NM_000195.5 (MANE Select); coding-DNA position 532, one base duplicated (C; older notation c.532dupC).
Protein change: p.Gln178fs; shifts the reading frame from glutamine 178.
Molecular consequence: frameshift variant. On other transcripts: 5 prime UTR variant (3), intron variant (5).
Genome position (GRCh38, 1-based): chr10:98,431,267, G duplicated on the plus strand (C on the coding strand, the reverse complement: HPS1 is on the minus strand); the first of 5 consecutive G bases (chr10:98,431,267-98,431,271); duplicating any one gives the same sequence. VCF-style (leftmost placement, unchanged base first): chr10-98431266-T-TG. GRCh37 (hg19) VCF-style: chr10-100191023-T-TG.
Other names: c.-342dup (NM_001311345.2, NM_001322489.2); c.532dup, p.Gln178fs (NM_001322476.2, NM_001322477.2, NM_001322478.2 and 3 more transcripts); c.163dup, p.Gln55fs (NM_001322483.2, NM_001322484.2, NM_001322485.2); c.-441dup (NM_001322487.2); c.408-597dup (NM_001322480.2, NM_001322482.2, NM_001322481.2); c.551-597dup (NM_001322492.2, NM_001322490.2); short protein forms Q55fs, Q178fs.
Identifiers: ClinVar variation 2735463 (VCV002735463.4), dbSNP rs281865079, ClinGen allele CA341637.
Genomic context (GRCh38, chr10:98,431,266, plus strand): 5'-CTGGTGTTGACAGCCTGGATGACGTGCCGCTCCAGCGCCTCTATGCACAGCTCACAGAGC[T>TG]GGGGGTGAATCAGTCGCTCCAGGGCCTAGCCAGGGCAGGAAGGGAGAGGAAGCCATATCA-3'